The following is an entry in ClinVar:

NM_021942.6(TRAPPC11):c.3121G>A (p.Asp1041Asn)

Gene: TRAPPC11 (trafficking protein particle complex subunit 11; plus strand). Cytogenetic location: 4q35.1.
Variant type: single nucleotide variant.
Coding change: c.3121G>A on transcript NM_021942.6 (MANE Select); coding-DNA position 3121, G replaced by A.
Protein change: p.Asp1041Asn; replaces aspartic acid 1041 with asparagine.
Molecular consequence: missense variant.
Genome position (GRCh38, 1-based): chr4:183,706,872, G>A. VCF-style: chr4-183706872-G-A. GRCh37 (hg19) VCF-style: chr4-184628025-G-A.
Other names: c.3121G>A (NM_021942.4); c.3121G>A, p.Asp1041Asn (NM_199053.3); short protein forms D1041N.
Identifiers: ClinVar variation 968624 (VCV000968624.7), dbSNP rs1353717821, ClinGen allele CA358874712.

ClinVar aggregate classification (germline): Conflicting classifications of pathogenicity. Review status: criteria provided, conflicting classifications (1 of 4 stars). 2 submissions from 2 submitters: Uncertain significance (1); Likely benign (1). Last evaluated 2025-10-06.

Conditions:
Inborn genetic diseases. Identifiers: MedGen C0950123, MeSH D030342.
Autosomal recessive limb-girdle muscular dystrophy type R18 (LGMDR18). Also called: Autosomal recessive limb-girdle muscular dystrophy type 2S; Limb-girdle muscular dystrophy, type 2S; MUSCULAR DYSTROPHY, LIMB-GIRDLE, AUTOSOMAL RECESSIVE 18. Identifiers: Orphanet 369840, MedGen C4517996, MONDO:0014144, OMIM 615356.

Allele frequency attached by ClinVar (database versions not stated): gnomAD below 0.00001 and 0.00001; gnomAD exomes below 0.00001; TOPMed 0.00001.
gnomAD v4.1: 5 of 1,613,986 alleles (0.00031%); highest among the groups gnomAD compares: South Asian, 0.0022%; no homozygotes.

Submissions (2):

Ambry Genetics
Classification: Likely benign for Inborn genetic diseases. Last evaluated: 2025-10-06. Review status: criteria provided, single submitter. Criteria: Ambry Variant Classification Scheme 2023. Collection method: clinical testing. Allele origin: germline.

Labcorp Genetics (formerly Invitae), Labcorp
Classification: Uncertain significance for Autosomal recessive limb-girdle muscular dystrophy type R18. Last evaluated: 2024-02-16. Review status: criteria provided, single submitter. Criteria: Invitae Variant Classification Sherloc (09022015). Collection method: clinical testing. Allele origin: germline.
Comment: This sequence change replaces aspartic acid, which is acidic and polar, with asparagine, which is neutral and polar, at codon 1041 of the TRAPPC11 protein (p.Asp1041Asn). This variant is not present in population databases (gnomAD no frequency). This variant has not been reported in the literature in individuals affected with TRAPPC11-related conditions. ClinVar contains an entry for this variant (Variation ID: 968624). Advanced modeling of protein sequence and biophysical properties (such as structural, functional, and spatial information, amino acid conservation, physicochemical variation, residue mobility, and thermodynamic stability) performed at Invitae indicates that this missense variant is not expected to disrupt TRAPPC11 protein function with a negative predictive value of 80%. In summary, the available evidence is currently insufficient to determine the role of this variant in disease. Therefore, it has been classified as a Variant of Uncertain Significance.